The following is an entry in ClinVar:

ClinVar aggregate classification (germline): Uncertain significance (1 of 4 stars; one submission).

Conditions:
Familial thoracic aortic aneurysm and aortic dissection (TAAD). Also called: Thoracic aortic aneurysms and dissections. Identifiers: Orphanet 91387, MedGen C4707243, MONDO:0019625.

Allele frequency attached by ClinVar (database versions not stated): gnomAD exomes below 0.00001.
gnomAD v4.1: 1 of 1,391,626 alleles (0.000072%); highest among the groups gnomAD compares: Non-Finnish European, 0.000095%; no homozygotes.

Submission:

All of Us Research Program, National Institutes of Health
Classification: Uncertain significance for Familial thoracic aortic aneurysm and aortic dissection. Last evaluated: 2024-01-11. Review status: criteria provided, single submitter. Criteria: ACMG Guidelines, 2015. Collection method: clinical testing. Allele origin: germline. Inheritance: Autosomal dominant inheritance. Observed: 1 variant allele, 1 heterozygote.
Comment: This study involves interpretation of variants in research participants for the purpose of population health screening. Participant phenotype was not available at the time of variant classification. Additional details can be found in publication PMID: 35346344, PMCID: PMC8962531

NM_002474.3(MYH11):c.1111T>G (p.Ser371Ala)

Gene: MYH11 (myosin heavy chain 11; minus strand). Cytogenetic location: 16p13.11.
Variant type: single nucleotide variant.
Coding change: c.1111T>G on transcript NM_002474.3 (MANE Select); coding-DNA position 1111, T replaced by G.
Protein change: p.Ser371Ala; replaces serine 371 with alanine.
Molecular consequence: missense variant.
Genome position (GRCh38, 1-based): chr16:15,763,814, A>C on the plus strand (T>G on the coding strand, the complement: MYH11 is on the minus strand). VCF-style: chr16-15763814-A-C. GRCh37 (hg19) VCF-style: chr16-15857671-A-C.
Other names: c.1111T>G, p.Ser371Ala (NM_022844.3); c.1132T>G, p.Ser378Ala (NM_001040114.2, NM_001040113.2); short protein forms S371A, S378A.
Identifiers: ClinVar variation 3075208 (VCV003075208.1), dbSNP rs2506444811, ClinGen allele CA394865215.